The following is an entry in ClinVar:

NM_000375.3(UROS):c.424C>T (p.Pro142Ser)

Gene: UROS (uroporphyrinogen III synthase; minus strand). Cytogenetic location: 10q26.2.
Variant type: single nucleotide variant.
Coding change: c.424C>T on transcript NM_000375.3 (MANE Select); coding-DNA position 424, C replaced by T.
Protein change: p.Pro142Ser; replaces proline 142 with serine.
Molecular consequence: missense variant. On other transcripts: non-coding transcript variant (4), intron variant (2).
Genome position (GRCh38, 1-based): chr10:125,798,116, G>A on the plus strand (C>T on the coding strand, the complement: UROS is on the minus strand). VCF-style: chr10-125798116-G-A. GRCh37 (hg19) VCF-style: chr10-127486685-G-A.
Other names: c.424C>T, p.Pro142Ser (NM_001324036.2); c.395-1928C>T (NM_001324038.2, NM_001324037.2); short protein forms P142S.
Identifiers: ClinVar variation 1913522 (VCV001913522.6), dbSNP rs781589110, ClinGen allele CA378687977.

ClinVar aggregate classification (germline): Conflicting classifications of pathogenicity. Review status: criteria provided, conflicting classifications (1 of 4 stars). 2 submissions from 2 submitters: Likely pathogenic (1); Uncertain significance (1). Last evaluated 2024-05-14.

Conditions:
UROS-related disorder. Also called: UROS-related condition.

Allele frequency attached by ClinVar (database versions not stated): gnomAD 0.00001.
gnomAD v4.1: 8 of 1,613,886 alleles (0.0005%); highest among the groups gnomAD compares: African/African-American, 0.004%; no homozygotes.

Submissions (2):

Labcorp Genetics (formerly Invitae), Labcorp
Classification: Uncertain significance. Last evaluated: 2024-05-14. Review status: criteria provided, single submitter. Criteria: Invitae Variant Classification Sherloc (09022015). Collection method: clinical testing. Allele origin: germline.
Comment: This sequence change replaces proline, which is neutral and non-polar, with serine, which is neutral and polar, at codon 142 of the UROS protein (p.Pro142Ser). This variant is present in population databases (no rsID available, gnomAD 0.007%). This missense change has been observed in individual(s) with congenital erythropoietic porphyria (PMID: 30454868). ClinVar contains an entry for this variant (Variation ID: 1913522). Advanced modeling of protein sequence and biophysical properties (such as structural, functional, and spatial information, amino acid conservation, physicochemical variation, residue mobility, and thermodynamic stability) performed at Invitae indicates that this missense variant is expected to disrupt UROS protein function with a positive predictive value of 80%. In summary, the available evidence is currently insufficient to determine the role of this variant in disease. Therefore, it has been classified as a Variant of Uncertain Significance.

Blueprint Genetics
Classification: Likely pathogenic for UROS-related disorders. Last evaluated: 2017-11-28. Review status: criteria provided, single submitter. Criteria: ACMG Guidelines, 2015. Collection method: clinical testing. Allele origin: germline. Affected: yes. Observed: 2 variant alleles.

Literature cited by the submitters: PubMed 30454868 (cited by Labcorp Genetics (formerly Invitae), Labcorp).